The following is an entry in ClinVar:

NM_020297.4(ABCC9):c.3772-3C>T

Genes: ABCC9 (ATP binding cassette subfamily C member 9; minus strand), KCNJ8-AS1 (KCNJ8 antisense RNA 1; plus strand). Cytogenetic location: 12p12.1.
Variant type: single nucleotide variant.
Coding change: c.3772-3C>T on transcript NM_020297.4 (MANE Select); 3 bases into the intron before coding-DNA position 3772, C replaced by T.
Molecular consequence: intron variant.
Genome position (GRCh38, 1-based): chr12:21,817,310, G>A on the plus strand (C>T on the coding strand, the complement: ABCC9 is on the minus strand). VCF-style: chr12-21817310-G-A. GRCh37 (hg19) VCF-style: chr12-21970244-G-A.
Other names: c.2905-3C>T (NM_001377274.1); c.3772-3C>T (NM_005691.4, NM_001377273.1).
Identifiers: ClinVar variation 2812181 (VCV002812181.3), dbSNP rs2540878840, ClinGen allele CA2739271888.

ClinVar aggregate classification (germline): Uncertain significance (1 of 4 stars; one submission).

Conditions:
Dilated cardiomyopathy 1O (CMD1O). Also called: CARDIOMYOPATHY, DILATED, WITH VENTRICULAR TACHYCARDIA. Identifiers: Orphanet 154, MedGen C1837839, MONDO:0012062, OMIM 608569.

Submission:

Labcorp Genetics (formerly Invitae), Labcorp
Classification: Uncertain significance for Dilated cardiomyopathy 1O. Last evaluated: 2022-11-05. Review status: criteria provided, single submitter. Criteria: Invitae Variant Classification Sherloc (09022015). Collection method: clinical testing. Allele origin: germline.
Comment: This sequence change falls in intron 30 of the ABCC9 gene. It does not directly change the encoded amino acid sequence of the ABCC9 protein. It affects a nucleotide within the consensus splice site. This variant is not present in population databases (gnomAD no frequency). This variant has not been reported in the literature in individuals affected with ABCC9-related conditions. Variants that disrupt the consensus splice site are a relatively common cause of aberrant splicing (PMID: 17576681, 9536098). Algorithms developed to predict the effect of sequence changes on RNA splicing suggest that this variant may disrupt the consensus splice site. In summary, the available evidence is currently insufficient to determine the role of this variant in disease. Therefore, it has been classified as a Variant of Uncertain Significance.

Literature cited by the submitters: PubMed 17576681; PubMed 9536098.